The following is an entry in ClinVar:

ClinVar aggregate classification (germline): Uncertain significance. Review status: criteria provided, multiple submitters, no conflicts (2 of 4 stars). 2 submissions from 2 submitters: Uncertain significance (2). Last evaluated 2025-09-19.

Conditions:
Charcot-Marie-Tooth disease type 2. Also called: Charcot-Marie-Tooth type 2. Identifiers: Orphanet 64746, MedGen C0270914, MONDO:0018993.
Charcot-Marie-Tooth disease type 2A2. Also called: CHARCOT-MARIE-TOOTH DISEASE, AXONAL, TYPE 2A2; CHARCOT-MARIE-TOOTH DISEASE, NEURONAL, TYPE 2A2; HEREDITARY MOTOR AND SENSORY NEUROPATHY IIA2; HMSN IIA2; CHARCOT-MARIE-TOOTH DISEASE, AXONAL, AUTOSOMAL DOMINANT, TYPE 2A2A; Charcot-Marie-Tooth Neuropathy Type 2A2. Identifiers: Orphanet 99947, MedGen C4721887, MONDO:0012231, OMIM 609260.

Submissions (3):

Labcorp Genetics (formerly Invitae), Labcorp
Classification: Uncertain significance for Charcot-Marie-Tooth disease type 2. Last evaluated: 2025-09-19. Review status: criteria provided, single submitter. Criteria: Invitae Variant Classification Sherloc (09022015). Collection method: clinical testing. Allele origin: germline.
Comment: This sequence change replaces serine, which is neutral and polar, with cysteine, which is neutral and slightly polar, at codon 479 of the MFN2 protein (p.Ser479Cys). This variant is not present in population databases (gnomAD no frequency). This variant has not been reported in the literature in individuals affected with MFN2-related conditions. ClinVar contains an entry for this variant (Variation ID: 989288). Invitae Evidence Modeling of protein sequence and biophysical properties (such as structural, functional, and spatial information, amino acid conservation, physicochemical variation, residue mobility, and thermodynamic stability) indicates that this missense variant is not expected to disrupt MFN2 protein function with a negative predictive value of 80%. In summary, the available evidence is currently insufficient to determine the role of this variant in disease. Therefore, it has been classified as a Variant of Uncertain Significance.

Illumina Laboratory Services, Illumina
Classification: Uncertain significance for Charcot-Marie-Tooth disease type 2A2. Last evaluated: 2020-05-21. Review status: criteria provided, single submitter. Criteria: ICSLVariantClassificationCriteria RUGD 01 April 2020. Collection method: clinical testing. Allele origin: unknown.
Comment: The MFN2 c.1436C>G (p.Ser479Cys) variant is a missense variant. A literature search was performed for the gene, cDNA change, and amino acid change. No publications were found based on this search. This variant is not found in the Genome Aggregation Database in a region of good sequence coverage, so the variant is presumed to be rare. Based on the limited evidence, the p.Ser479Cys variant is classified as a variant of uncertain significance for an autosomal dominant form of Charcot-Marie-Tooth disease.

Dr. Peter K. Rogan Lab, Western University
No classification provided (evidence only). Condition: Lung cancer. Review status: no classification provided. Collection method: in vitro. Allele origin: not applicable. Functional consequence: skipped exon, retained intron. Not counted in ClinVar's aggregate classification.

NM_014874.4(MFN2):c.1436C>G (p.Ser479Cys)

Gene: MFN2 (mitofusin 2; plus strand). Cytogenetic location: 1p36.22.
Variant type: single nucleotide variant.
Coding change: c.1436C>G on transcript NM_014874.4 (MANE Select); coding-DNA position 1436, C replaced by G.
Protein change: p.Ser479Cys; replaces serine 479 with cysteine.
Molecular consequence: missense variant.
Genome position (GRCh38, 1-based): chr1:12,004,868, C>G. VCF-style: chr1-12004868-C-G. GRCh37 (hg19) VCF-style: chr1-12064925-C-G.
Other names: c.1436C>G, p.Ser479Cys (NM_001127660.2); short protein forms S479C.
Identifiers: ClinVar variation 989288 (VCV000989288.9), dbSNP rs1639333679, ClinGen allele CA338446734.